The following is an entry in ClinVar:

NM_014423.4(AFF4):c.3309C>T (p.Phe1103=)

Gene: AFF4 (ALF transcription elongation factor 4; minus strand). Cytogenetic location: 5q31.1.
Variant type: single nucleotide variant.
Coding change: c.3309C>T on transcript NM_014423.4 (MANE Select); coding-DNA position 3309, C replaced by T.
Protein change: p.Phe1103=; no amino-acid change (phenylalanine 1103 retained).
Molecular consequence: synonymous variant.
Genome position (GRCh38, 1-based): chr5:132,883,395, G>A on the plus strand (C>T on the coding strand, the complement: AFF4 is on the minus strand). VCF-style: chr5-132883395-G-A. GRCh37 (hg19) VCF-style: chr5-132219087-G-A.
Identifiers: ClinVar variation 4998946 (VCV004998946.1).

ClinVar aggregate classification (germline): Likely benign (1 of 4 stars; one submission).

Conditions:
AFF4-related disorder. Also called: AFF4-related condition.

gnomAD v4.1: 1 of 1,613,944 alleles (0.000062%); highest among the groups gnomAD compares: African/African-American, 0.0013%; no homozygotes.

Submission:

PreventionGenetics, part of Exact Sciences
Classification: Likely benign for AFF4-related condition. Last evaluated: 2024-11-20. Review status: criteria provided, single submitter. Criteria: ACMG Guidelines, 2015. Collection method: clinical testing. Allele origin: germline.
Comment: This variant is classified as likely benign based on ACMG/AMP sequence variant interpretation guidelines (Richards et al. 2015 PMID: 25741868, with internal and published modifications).